The following is an entry in ClinVar:

NM_052844.4(DYNC2I2):c.1297C>G (p.Leu433Val)

Gene: DYNC2I2 (dynein 2 intermediate chain 2; minus strand). Cytogenetic location: 9q34.11.
Variant type: single nucleotide variant.
Coding change: c.1297C>G on transcript NM_052844.4 (MANE Select); coding-DNA position 1297, C replaced by G.
Protein change: p.Leu433Val; replaces leucine 433 with valine.
Molecular consequence: missense variant.
Genome position (GRCh38, 1-based): chr9:128,634,301, G>C on the plus strand (C>G on the coding strand, the complement: DYNC2I2 is on the minus strand). VCF-style: chr9-128634301-G-C. GRCh37 (hg19) VCF-style: chr9-131396580-G-C.
Other names: c.1297C>G (NM_052844.3); short protein forms L433V.
Identifiers: ClinVar variation 2197122 (VCV002197122.4), dbSNP rs977977446, ClinGen allele CA200417617.

ClinVar aggregate classification (germline): Uncertain significance. Review status: criteria provided, multiple submitters, no conflicts (2 of 4 stars). 2 submissions from 2 submitters: Uncertain significance (2). Last evaluated 2025-01-21.

Conditions:
Inborn genetic diseases. Identifiers: MedGen C0950123, MeSH D030342.
Short-rib thoracic dysplasia 11 with or without polydactyly (SRTD11). Also called: SHORT-RIB THORACIC DYSPLASIA 11 WITHOUT POLYDACTYLY. Identifiers: Orphanet 474, Orphanet 93271, MedGen C3810200, MONDO:0014287, OMIM 615633.

gnomAD v4.1: 8 of 1,613,558 alleles (0.0005%); highest among the groups gnomAD compares: African/African-American, 0.011%; no homozygotes.

Submissions (2):

Ambry Genetics
Classification: Uncertain significance for Inborn genetic diseases. Last evaluated: 2025-01-21. Review status: criteria provided, single submitter. Criteria: Ambry Variant Classification Scheme 2023. Collection method: clinical testing. Allele origin: germline.

Labcorp Genetics (formerly Invitae), Labcorp
Classification: Uncertain significance for Short-rib thoracic dysplasia 11 with or without polydactyly. Last evaluated: 2022-04-16. Review status: criteria provided, single submitter. Criteria: Invitae Variant Classification Sherloc (09022015). Collection method: clinical testing. Allele origin: germline.
Comment: In summary, the available evidence is currently insufficient to determine the role of this variant in disease. Therefore, it has been classified as a Variant of Uncertain Significance. Algorithms developed to predict the effect of sequence changes on RNA splicing suggest that this variant may create or strengthen a splice site. Algorithms developed to predict the effect of missense changes on protein structure and function (SIFT, PolyPhen-2, Align-GVGD) all suggest that this variant is likely to be tolerated. This variant has not been reported in the literature in individuals affected with WDR34-related conditions. This variant is present in population databases (no rsID available, gnomAD 0.007%). This sequence change replaces leucine, which is neutral and non-polar, with valine, which is neutral and non-polar, at codon 433 of the WDR34 protein (p.Leu433Val).